The following is an entry in ClinVar:

NM_018360.3(TXLNG):c.1578G>T (p.Ser526=)

Gene: TXLNG (taxilin gamma; plus strand). Cytogenetic location: Xp22.2.
Variant type: single nucleotide variant.
Coding change: c.1578G>T on transcript NM_018360.3 (MANE Select); coding-DNA position 1578, G replaced by T.
Protein change: p.Ser526=; no amino-acid change (serine 526 retained).
Molecular consequence: synonymous variant.
Genome position (GRCh38, 1-based): chrX:16,841,757, G>T. VCF-style: chrX-16841757-G-T. GRCh37 (hg19) VCF-style: chrX-16859880-G-T.
Other names: c.1182G>T, p.Ser394= (NM_001168683.2).
Identifiers: ClinVar variation 2660070 (VCV002660070.24), dbSNP rs200307631, ClinGen allele CA515579566.

ClinVar aggregate classification (germline): Likely benign (1 of 4 stars; one submission).

gnomAD v4.1: 1 of 1,208,470 alleles (0.000083%); no homozygotes.

Submission:

CeGaT Center for Human Genetics Tuebingen
Classification: Likely benign. Last evaluated: 2023-02-01. Review status: criteria provided, single submitter. Criteria: CeGaT Center For Human Genetics Tuebingen Variant Classification Criteria Version 2. Collection method: clinical testing. Allele origin: germline. Affected: yes. Observed: 1 variant allele.
Comment: TXLNG: PM2:Supporting, BP4, BP7